The following is an entry in ClinVar:

NM_024656.4(COLGALT1):c.1805G>A (p.Arg602His)

Gene: COLGALT1 (collagen beta(1-O)galactosyltransferase 1; plus strand). Cytogenetic location: 19p13.11.
Variant type: single nucleotide variant.
Coding change: c.1805G>A on transcript NM_024656.4 (MANE Select); coding-DNA position 1805, G replaced by A.
Protein change: p.Arg602His; replaces arginine 602 with histidine.
Molecular consequence: missense variant.
Genome position (GRCh38, 1-based): chr19:17,581,380, G>A. VCF-style: chr19-17581380-G-A. GRCh37 (hg19) VCF-style: chr19-17692189-G-A.
Other names: c.1805G>A (NM_024656.3); short protein forms R602H.
Identifiers: ClinVar variation 4804440 (VCV004804440.2).

ClinVar aggregate classification (germline): Uncertain significance. Review status: criteria provided, multiple submitters, no conflicts (2 of 4 stars). 2 submissions from 2 submitters: Uncertain significance (2). Last evaluated 2025-06-11.

Conditions:
COLGALT1-related disorder. Also called: COLGALT1-related condition.

gnomAD v4.1: 15 of 1,612,898 alleles (0.00093%); highest among the groups gnomAD compares: Middle Eastern, 0.016%; no homozygotes.

Submissions (2):

Labcorp Genetics (formerly Invitae), Labcorp
Classification: Uncertain significance. Last evaluated: 2025-06-11. Review status: criteria provided, single submitter. Criteria: Invitae Variant Classification Sherloc (09022015). Collection method: clinical testing. Allele origin: germline.
Comment: This sequence change replaces arginine, which is basic and polar, with histidine, which is basic and polar, at codon 602 of the COLGALT1 protein (p.Arg602His). This variant is present in population databases (rs769808117, gnomAD 0.01%). This variant has not been reported in the literature in individuals affected with COLGALT1-related conditions. An algorithm developed to predict the effect of missense changes on protein structure and function (PolyPhen-2) suggests that this variant is likely to be tolerated. In summary, the available evidence is currently insufficient to determine the role of this variant in disease. Therefore, it has been classified as a Variant of Uncertain Significance.

PreventionGenetics, part of Exact Sciences
Classification: Uncertain significance for COLGALT1-related condition. Last evaluated: 2024-11-20. Review status: criteria provided, single submitter. Criteria: ACMG Guidelines, 2015. Collection method: clinical testing. Allele origin: germline.
Comment: The COLGALT1 c.1805G>A variant is predicted to result in the amino acid substitution p.Arg602His. To our knowledge, this variant has not been reported in the literature. This variant is reported in 0.014% of alleles in individuals of Latino descent in gnomAD. At this time, the clinical significance of this variant is uncertain due to the absence of conclusive functional and genetic evidence.